The following is an entry in ClinVar:

NM_152383.5(DIS3L2):c.1205G>A (p.Gly402Asp)

Gene: DIS3L2 (DIS3 like 3'-5' exoribonuclease 2; plus strand). Cytogenetic location: 2q37.1.
Variant type: single nucleotide variant.
Coding change: c.1205G>A on transcript NM_152383.5 (MANE Select); coding-DNA position 1205, G replaced by A.
Protein change: p.Gly402Asp; replaces glycine 402 with aspartic acid.
Molecular consequence: missense variant. On other transcripts: non-coding transcript variant (2).
Genome position (GRCh38, 1-based): chr2:232,238,533, G>A. VCF-style: chr2-232238533-G-A. GRCh37 (hg19) VCF-style: chr2-233103243-G-A.
Other names: c.1205G>A, p.Gly402Asp (NM_001257281.2); short protein forms G402D.
Identifiers: ClinVar variation 2194461 (VCV002194461.4), dbSNP rs2470030305, ClinGen allele CA351154549.

ClinVar aggregate classification (germline): Uncertain significance (1 of 4 stars; one submission).

Conditions:
Perlman syndrome (PRLMNS). Identifiers: Orphanet 2849, MedGen C0796113, MONDO:0009965, OMIM 267000.

Submission:

Labcorp Genetics (formerly Invitae), Labcorp
Classification: Uncertain significance for Perlman syndrome. Last evaluated: 2022-10-08. Review status: criteria provided, single submitter. Criteria: Invitae Variant Classification Sherloc (09022015). Collection method: clinical testing. Allele origin: germline.
Comment: In summary, the available evidence is currently insufficient to determine the role of this variant in disease. Therefore, it has been classified as a Variant of Uncertain Significance. Algorithms developed to predict the effect of missense changes on protein structure and function are either unavailable or do not agree on the potential impact of this missense change (SIFT: "Tolerated"; PolyPhen-2: "Probably Damaging"; Align-GVGD: "Class C0"). This variant has not been reported in the literature in individuals affected with DIS3L2-related conditions. This variant is not present in population databases (gnomAD no frequency). This sequence change replaces glycine, which is neutral and non-polar, with aspartic acid, which is acidic and polar, at codon 402 of the DIS3L2 protein (p.Gly402Asp).